The following is an entry in ClinVar:

NM_001369.3(DNAH5):c.5647C>T (p.Arg1883Ter)

Gene: DNAH5 (dynein axonemal heavy chain 5; minus strand). Cytogenetic location: 5p15.2.
Variant type: single nucleotide variant.
Coding change: c.5647C>T on transcript NM_001369.3 (MANE Select); coding-DNA position 5647, C replaced by T.
Protein change: p.Arg1883Ter; replaces arginine 1883 with a stop codon.
Molecular consequence: nonsense.
Genome position (GRCh38, 1-based): chr5:13,840,968, G>A on the plus strand (C>T on the coding strand, the complement: DNAH5 is on the minus strand). VCF-style: chr5-13840968-G-A. GRCh37 (hg19) VCF-style: chr5-13841077-G-A.
Other names: short protein forms R1883*.
Identifiers: ClinVar variation 430011 (VCV000430011.14), dbSNP rs575017579, ClinGen allele CA3203619.
Genomic context (GRCh38, chr5:13,840,968, plus strand): 5'-GGTCATCAAAGATATCCCTTTGGTGCACATGAATAGTAATCAGAGTCTCGTATTTCACTC[G>A]TTCCGTGGAACTCAGATCCCTCGTGGTGACGTCTATCAATGTATTGAGTAGCTCCAGGAA-3'

ClinVar aggregate classification (germline): Pathogenic. Review status: criteria provided, multiple submitters, no conflicts (2 of 4 stars). 6 submissions from 6 submitters: Pathogenic (5). 1 of the submissions does not count toward it. Last evaluated 2026-02-05.

Conditions:
DNAH5-related disorder. Also called: DNAH5-related condition.
Primary ciliary dyskinesia. Also called: Ciliary dyskinesia. Identifiers: Orphanet 244, MedGen C0008780, MONDO:0016575, HP:0012265.
Primary ciliary dyskinesia 3. Identifiers: Orphanet 244, MedGen C1837618, MONDO:0012085, OMIM 608644.

Allele frequency attached by ClinVar (database versions not stated): gnomAD 0.00003; ExAC 0.00004.
gnomAD v4.1: 20 of 1,613,912 alleles (0.0012%); highest among the groups gnomAD compares: East Asian, 0.0067%; no homozygotes.

Submissions (6):

Clinical Genetics and Genomics, Karolinska University Hospital
Classification: Pathogenic for Primary ciliary dyskinesia 3. Last evaluated: 2026-02-05. Review status: criteria provided, single submitter. Criteria: ACMG Guidelines, 2015. Collection method: clinical testing. Allele origin: germline. Inheritance: Autosomal recessive inheritance. Affected: yes.

Natera, Inc.
Classification: Pathogenic for Primary ciliary dyskinesia. Last evaluated: 2025-12-29. Review status: criteria provided, single submitter. Criteria: Natera Variant Classification Schema (03/2026). Collection method: clinical testing. Allele origin: germline.
Comment: The c.5647C>T variant in DNAH5 is a nonsense variant predicted to introduce a stop codon at amino acid 1883. This variant is expected to result in nonsense mediated decay, truncation, or a dysfunctional protein product. This variant is rare in the general population with a frequency below the threshold expected for the associated phenotype(s). This variant has been observed in one or more individuals affected with the associated recessive disease, as either homozygous or compound heterozygous with a second variant (PMID: 19357118, 29363216). Given the available evidence, this variant is classified as Pathogenic.

Myriad Genetics, Inc.
Classification: Pathogenic for Primary ciliary dyskinesia 3. Last evaluated: 2024-05-14. Review status: criteria provided, single submitter. Criteria: Myriad Autosomal Dominant, Autosomal Recessive and X-Linked Classification Criteria (2023). Collection method: clinical testing. Allele origin: unknown.
Comment: NM_001369.2(DNAH5):c.5647C>T(R1883*) is expected to be pathogenic in the context of primary ciliary dyskinesia, DNAH5-related. This variant is predicted to lead to an abnormal or absent protein product due to the creation of a premature termination codon in DNAH5, a gene where loss-of-function variants are known to be pathogenic. Please note: this variant was assessed in the context of healthy population screening.

Labcorp Genetics (formerly Invitae), Labcorp
Classification: Pathogenic for Primary ciliary dyskinesia. Last evaluated: 2023-09-01. Review status: criteria provided, single submitter. Criteria: Invitae Variant Classification Sherloc (09022015). Collection method: clinical testing. Allele origin: germline.
Comment: For these reasons, this variant has been classified as Pathogenic. ClinVar contains an entry for this variant (Variation ID: 430011). This premature translational stop signal has been observed in individual(s) with primary ciliary dyskinesia (PMID: 19357118, 23891469, 25186273, 27618201). This variant is present in population databases (rs575017579, gnomAD 0.01%). This sequence change creates a premature translational stop signal (p.Arg1883*) in the DNAH5 gene. It is expected to result in an absent or disrupted protein product. Loss-of-function variants in DNAH5 are known to be pathogenic (PMID: 11788826, 16627867).

GeneDx
Classification: Pathogenic. Last evaluated: 2015-09-23. Review status: criteria provided, single submitter. Criteria: GeneDx Variant Classification (06012015). Collection method: clinical testing. Allele origin: germline. Affected: yes.
Comment: The R1883X variant in the DNAH5 gene has been reported previously in the homozygous state in an individual with PCD (Failly et al., 2009); it has also been observed in the heterozygous state without a second identifiable variant in an unrelated individual with PCD (Zariwala et al., 2013). This variant is predicted to cause loss of normal protein function either through protein truncation or nonsense-mediated mRNA decay. Numerous protein truncating variants downstream of R188X have been reported in the Human Gene Mutation Database in association with PCD (Stenson et al., 2014), supporting the pathogenicity of more upstream truncating variants. R1883X was not observed in approximately 6500 individuals of European and African American ancestry in the NHLBI Exome Sequencing Project, indicating it is not a common benign variant in these populations. We interpret R1883X as a pathogenic variant.

PreventionGenetics, part of Exact Sciences
Classification: Pathogenic for DNAH5-related condition. Last evaluated: 2024-06-21. Review status: no assertion criteria provided. Collection method: clinical testing. Allele origin: germline. Not counted in ClinVar's aggregate classification.
Comment: The DNAH5 c.5647C>T variant is predicted to result in premature protein termination (p.Arg1883*). This variant has reported in individuals with primary ciliary dyskinesia (Failly et al 2009. PubMed ID: 19357118; Raidt J et al 2014. PubMed ID: 25186273). This variant is reported in 0.0050% of alleles in individuals of East Asian descent in gnomAD ). Nonsense variants in DNAH5 are expected to be pathogenic. This variant is interpreted as pathogenic.

Literature cited by the submitters: PubMed 19357118 (cited by Natera, Inc. and Labcorp Genetics (formerly Invitae), Labcorp); PubMed 29363216 (cited by Natera, Inc.); PubMed 23891469 (cited by Labcorp Genetics (formerly Invitae), Labcorp); PubMed 25186273 (cited by Labcorp Genetics (formerly Invitae), Labcorp); PubMed 27618201 (cited by Labcorp Genetics (formerly Invitae), Labcorp); PubMed 11788826 (cited by Labcorp Genetics (formerly Invitae), Labcorp); PubMed 16627867 (cited by Labcorp Genetics (formerly Invitae), Labcorp).